The following is an entry in ClinVar:

NM_001145358.2(SIN3A):c.1001C>G (p.Thr334Arg)

Gene: SIN3A (SIN3 transcription regulator family member A; minus strand). Cytogenetic location: 15q24.2.
Variant type: single nucleotide variant.
Coding change: c.1001C>G on transcript NM_001145358.2 (MANE Select); coding-DNA position 1001, C replaced by G.
Protein change: p.Thr334Arg; replaces threonine 334 with arginine.
Molecular consequence: missense variant.
Genome position (GRCh38, 1-based): chr15:75,411,499, G>C on the plus strand (C>G on the coding strand, the complement: SIN3A is on the minus strand). VCF-style: chr15-75411499-G-C. GRCh37 (hg19) VCF-style: chr15-75703840-G-C.
Other names: c.1001C>G, p.Thr334Arg (NM_001145357.2, NM_015477.3); short protein forms T334R.
Identifiers: ClinVar variation 1307727 (VCV001307727.2), dbSNP rs2073638193, ClinGen allele CA393446946.

ClinVar aggregate classification (germline): Uncertain significance (1 of 4 stars; one submission).

Submission:

GeneDx
Classification: Uncertain significance. Last evaluated: 2019-08-15. Review status: criteria provided, single submitter. Criteria: GeneDx Variant Classification Process June 2021. Collection method: clinical testing. Allele origin: germline. Affected: yes.
Comment: Not observed in large population cohorts (Lek et al., 2016); In silico analysis, which includes protein predictors and evolutionary conservation, supports a deleterious effect; Has not been previously published as pathogenic or benign to our knowledge